The following is an entry in ClinVar:

ClinVar aggregate classification (germline): Uncertain significance (1 of 4 stars; one submission).

Conditions:
Combined immunodeficiency due to ORAI1 deficiency. Also called: IMMUNODEFICIENCY 9. Identifiers: Orphanet 169090, Orphanet 317428, MedGen C2748568, MONDO:0013007, OMIM 612782.
Myopathy, tubular aggregate, 2 (TAM2). Identifiers: MedGen C4014557, MONDO:0014383, OMIM 615883.

Allele frequency attached by ClinVar (database versions not stated): gnomAD exomes 0.00001; ExAC 0.00002; TOPMed 0.00002.

Submission:

Labcorp Genetics (formerly Invitae), Labcorp
Classification: Uncertain significance for Myopathy, tubular aggregate, 2; Combined immunodeficiency due to ORAI1 deficiency. Last evaluated: 2024-03-19. Review status: criteria provided, single submitter. Criteria: Invitae Variant Classification Sherloc (09022015). Collection method: clinical testing. Allele origin: germline.
Comment: This sequence change replaces alanine, which is neutral and non-polar, with threonine, which is neutral and polar, at codon 220 of the ORAI1 protein (p.Ala220Thr). This variant is present in population databases (rs781972261, gnomAD 0.007%). This variant has not been reported in the literature in individuals affected with ORAI1-related conditions. ClinVar contains an entry for this variant (Variation ID: 2158341). Experimental studies and prediction algorithms are not available or were not evaluated, and the functional significance of this variant is currently unknown. In summary, the available evidence is currently insufficient to determine the role of this variant in disease. Therefore, it has been classified as a Variant of Uncertain Significance.

NC_000012.12:g.121641395G>A

Gene: ORAI1 (ORAI calcium release-activated calcium modulator 1; plus strand). Cytogenetic location: 12q24.31.
Variant type: single nucleotide variant.
Genome position: GRCh38 VCF-style: chr12-121641395-G-A. GRCh37 (hg19) VCF-style: chr12-122079301-G-A.
Other names: c.658G>A, p.Ala220Thr (NM_032790.4); short protein forms A220T.
Identifiers: ClinVar variation 2158341 (VCV002158341.4), dbSNP rs781972261, ClinGen allele CA6837536.